The following is an entry in ClinVar:

NM_001346754.2(PIGW):c.863G>T (p.Gly288Val)

Genes: MYO19 (myosin XIX; minus strand), PIGW (phosphatidylinositol glycan anchor biosynthesis class W; plus strand). Cytogenetic location: 17q12.
Variant type: single nucleotide variant.
Coding change: c.863G>T on transcript NM_001346754.2 (MANE Select); coding-DNA position 863, G replaced by T.
Protein change: p.Gly288Val; replaces glycine 288 with valine.
Molecular consequence: missense variant.
Genome position (GRCh38, 1-based): chr17:36,537,964, G>T. VCF-style: chr17-36537964-G-T. GRCh37 (hg19) VCF-style: chr17-34893813-G-T.
Other names: c.863G>T, p.Gly288Val (NM_001346755.2, NM_178517.5); short protein forms G288V.
Identifiers: ClinVar variation 1423590 (VCV001423590.5), dbSNP rs1745821520, ClinGen allele CA399163754.
Genomic context (GRCh38, chr17:36,537,964, plus strand): 5'-TTACTGTATTATACCAGCTAGCCCTTGACTTTACCTCACTGAAGAGGTTAATATTATATG[G>T]CACTGATGGTAGTGGCACACGGGTTGGTCTATTAAATGCCAACCGCGAAGGAATAATCTC-3'
Protein context (NP_001333683.1, residues 278-298): FTSLKRLILY[Gly288Val]TDGSGTRVGL

ClinVar aggregate classification (germline): Uncertain significance (1 of 4 stars; one submission).

Conditions:
Hyperphosphatasia with intellectual disability syndrome 5 (GPIBD11). Also called: GLYCOSYLPHOSPHATIDYLINOSITOL BIOSYNTHESIS DEFECT 11. Identifiers: Orphanet 247262, MedGen C4014958, MONDO:0014457, OMIM 616025.

Allele frequency attached by ClinVar (database versions not stated): gnomAD exomes below 0.00001; TOPMed below 0.00001.
gnomAD v4.1: 4 of 1,613,934 alleles (0.00025%); highest among the groups gnomAD compares: Middle Eastern, 0.016%; no homozygotes.

Submission:

Labcorp Genetics (formerly Invitae), Labcorp
Classification: Uncertain significance for Hyperphosphatasia with intellectual disability syndrome 5. Last evaluated: 2021-08-27. Review status: criteria provided, single submitter. Criteria: Invitae Variant Classification Sherloc (09022015). Collection method: clinical testing. Allele origin: germline.
Comment: This sequence change replaces glycine with valine at codon 288 of the PIGW protein (p.Gly288Val). The glycine residue is moderately conserved and there is a moderate physicochemical difference between glycine and valine. This variant is not present in population databases (ExAC no frequency). This variant has not been reported in the literature in individuals affected with PIGW-related conditions. Algorithms developed to predict the effect of missense changes on protein structure and function are either unavailable or do not agree on the potential impact of this missense change (SIFT: "Deleterious"; PolyPhen-2: "Possibly Damaging"; Align-GVGD: "Class C0"). In summary, the available evidence is currently insufficient to determine the role of this variant in disease. Therefore, it has been classified as a Variant of Uncertain Significance.